The following is an entry in ClinVar:

ClinVar aggregate classification (germline): Uncertain significance (1 of 4 stars; one submission).

Conditions:
Dystonia 12 (DYT12). Also called: Rapid-Onset Dystonia-Parkinsonism (RDP); DYT-ATP1A3. Identifiers: Orphanet 71517, MedGen C1868681, MONDO:0007496, OMIM 128235.

Allele frequency attached by ClinVar (database versions not stated): TOPMed 0.00001; gnomAD 0.00003.
gnomAD v4.1: 4 of 1,614,050 alleles (0.00025%); highest among the groups gnomAD compares: African/African-American, 0.0053%; no homozygotes.

Submission:

Labcorp Genetics (formerly Invitae), Labcorp
Classification: Uncertain significance for Dystonia 12. Last evaluated: 2024-11-25. Review status: criteria provided, single submitter. Criteria: Invitae Variant Classification Sherloc (09022015). Collection method: clinical testing. Allele origin: germline.
Comment: This sequence change replaces alanine, which is neutral and non-polar, with glycine, which is neutral and non-polar, at codon 816 of the ATP1A3 protein (p.Ala816Gly). This variant is present in population databases (no rsID available, gnomAD 0.01%). This variant has not been reported in the literature in individuals affected with ATP1A3-related conditions. ClinVar contains an entry for this variant (Variation ID: 1991203). Invitae Evidence Modeling of protein sequence and biophysical properties (such as structural, functional, and spatial information, amino acid conservation, physicochemical variation, residue mobility, and thermodynamic stability) has been performed for this missense variant. However, the output from this modeling did not meet the statistical confidence thresholds required to predict the impact of this variant on ATP1A3 protein function. In summary, the available evidence is currently insufficient to determine the role of this variant in disease. Therefore, it has been classified as a Variant of Uncertain Significance.

NM_152296.5(ATP1A3):c.2447C>G (p.Ala816Gly)

Gene: ATP1A3 (ATPase Na+/K+ transporting subunit alpha 3; minus strand). Cytogenetic location: 19q13.2.
Variant type: single nucleotide variant.
Coding change: c.2447C>G on transcript NM_152296.5 (MANE Select); coding-DNA position 2447, C replaced by G.
Protein change: p.Ala816Gly; replaces alanine 816 with glycine.
Molecular consequence: missense variant.
Genome position (GRCh38, 1-based): chr19:41,970,280, G>C on the plus strand (C>G on the coding strand, the complement: ATP1A3 is on the minus strand). VCF-style: chr19-41970280-G-C. GRCh37 (hg19) VCF-style: chr19-42474432-G-C.
Other names: c.2480C>G, p.Ala827Gly (NM_001256213.2); c.2486C>G, p.Ala829Gly (NM_001256214.2); short protein forms A816G, A827G, A829G.
Identifiers: ClinVar variation 1991203 (VCV001991203.4), dbSNP rs1555859528, ClinGen allele CA406038958.